The following is an entry in ClinVar:

ClinVar aggregate classification (germline): Likely benign. Review status: criteria provided, multiple submitters, no conflicts (2 of 4 stars). 2 submissions from 2 submitters: Likely benign (2). Last evaluated 2024-09-22.

Conditions:
Developmental and epileptic encephalopathy, 25 (DEE25). Also called: Epileptic encephalopathy, early infantile, 25; Developmental and epileptic encephalopathy 25, with amelogenesis imperfecta; Epileptic encephalopathy, early infantile, 25, with amelogenesis imperfecta. Identifiers: Orphanet 442835, MedGen C4014621, MONDO:0014392, OMIM 615905.

gnomAD v4.1: 2 of 1,614,162 alleles (0.00012%); highest among the groups gnomAD compares: African/African-American, 0.0013%; no homozygotes.

Submissions (2):

Labcorp Genetics (formerly Invitae), Labcorp
Classification: Likely benign for Developmental and epileptic encephalopathy, 25. Last evaluated: 2024-09-22. Review status: criteria provided, single submitter. Criteria: Invitae Variant Classification Sherloc (09022015). Collection method: clinical testing. Allele origin: germline.

GeneDx
Classification: Likely benign. Last evaluated: 2018-02-23. Review status: criteria provided, single submitter. Criteria: GeneDx Variant Classification (06012015). Collection method: clinical testing. Allele origin: germline. Affected: yes.
Comment: This variant is considered likely benign or benign based on one or more of the following criteria: it is a conservative change, it occurs at a poorly conserved position in the protein, it is predicted to be benign by multiple in silico algorithms, and/or has population frequency not consistent with disease.

NM_177550.5(SLC13A5):c.1002C>T (p.Asp334=)

Gene: SLC13A5 (solute carrier family 13 member 5; minus strand). Cytogenetic location: 17p13.1.
Variant type: single nucleotide variant.
Coding change: c.1002C>T on transcript NM_177550.5 (MANE Select); coding-DNA position 1002, C replaced by T.
Protein change: p.Asp334=; no amino-acid change (aspartic acid 334 retained).
Molecular consequence: synonymous variant.
Genome position (GRCh38, 1-based): chr17:6,695,779, G>A on the plus strand (C>T on the coding strand, the complement: SLC13A5 is on the minus strand). VCF-style: chr17-6695779-G-A. GRCh37 (hg19) VCF-style: chr17-6599098-G-A.
Other names: c.1002C>T, p.Asp334= (NM_001143838.3); c.951C>T, p.Asp317= (NM_001284509.2); c.873C>T, p.Asp291= (NM_001284510.2).
Identifiers: ClinVar variation 515574 (VCV000515574.3), dbSNP rs765942920, ClinGen allele CA497596265.
Genomic context (GRCh38, chr17:6,695,779, plus strand): 5'-GACTTACTTTGTCTCACCCTCCACCCAGGCAACAGTCAGCCAGCCGGGCATGAAGCCGGG[G>A]TCTCGGGAGAACCACAGGATGACCAGCAGGAAGAAGCAGATCAGCACGTTGATCTCCGCG-3'
Protein context (NP_808218.1, residues 324-344): FLLVILWFSR[Asp334=]PGFMPGWLTV